The following is an entry in ClinVar:

ClinVar aggregate classification (germline): Pathogenic (1 of 4 stars; one submission).

Conditions:
Cardiovascular phenotype. Identifiers: MedGen CN230736.

Submission:

Ambry Genetics
Classification: Pathogenic for Cardiovascular phenotype. Last evaluated: 2024-09-03. Review status: criteria provided, single submitter. Criteria: Ambry Variant Classification Scheme 2023. Collection method: clinical testing. Allele origin: germline.
Comment: The c.3379_3380delTC (p.S1127Pfs*54) alteration, located in exon 27 (coding exon 27) of the CACNA1C gene, consists of a deletion of 2 nucleotides from position 3379 to 3380, causing a translational frameshift with a predicted alternate stop codon after 54 amino acids. This alteration is expected to result in loss of function by premature protein truncation or nonsense-mediated mRNA decay. for CACNA1C-related neurodevelopmental disorder; however, it is unlikely to be causative of CACNA1C-related long QT syndrome or Timothy syndrome. This variant was not reported in population-based cohorts in the Genome Aggregation Database (gnomAD). Based on the available evidence, this alteration is classified as pathogenic.

NM_000719.7(CACNA1C):c.3379_3380del (p.Ser1127fs)

Gene: CACNA1C (calcium voltage-gated channel subunit alpha1 C; plus strand). Cytogenetic location: 12p13.33.
Variant type: Deletion.
Coding change: c.3379_3380del on transcript NM_000719.7 (MANE Select); coding-DNA positions 3379 to 3380, 2 bases deleted (TC; older notation c.3379_3380delTC).
Protein change: p.Ser1127fs; shifts the reading frame from serine 1127.
Molecular consequence: frameshift variant.
Genome position (GRCh38, 1-based): chr12:2,608,533-2,608,534, TC deleted; deleting any 2 consecutive bases within chr12:2,608,532-2,608,534 gives the same sequence; the c. name uses the placement nearest the transcript's 3' end. VCF-style (leftmost placement, unchanged base first): chr12-2608531-ACT-A. GRCh37 (hg19) VCF-style: chr12-2717697-ACT-A.
Other names: c.3439_3440del, p.Ser1147fs (NM_001129827.2, NM_001129832.2, NM_199460.4); c.3379_3380del, p.Ser1127fs (NM_001129829.2, NM_001129830.3, NM_001129831.2 and 15 more transcripts); c.3370_3371del, p.Ser1124fs (NM_001129844.2); short protein forms S1124fs, S1127fs, S1147fs.
Identifiers: ClinVar variation 3483968 (VCV003483968.1).
Genomic context (GRCh38, chr12:2,608,531, plus strand): 5'-CTTCTCCAGTTCCCTCTGTGGGACCTGTCTCCTCCTGCAGGCTGCTGTACCGCTCCATCG[ACT>A]CCCACACGGAAGACAAGGGCCCCATCTACAACTACCGTGTGGAGATCTCCATCTTCTTCA-3'